The following is an entry in ClinVar:

ClinVar aggregate classification (germline): Likely benign (1 of 4 stars; one submission).

Conditions:
Familial hypercholesterolemia. Also called: Familial hypercholesterolemias; Familial hypercholesterolaemia. Identifiers: MedGen C0020445, MONDO:0005439.

Submission:

GENinCode PLC
Classification: Likely benign for Familial hypercholesterolemia. Last evaluated: 2025-10-03. Review status: criteria provided, single submitter. Criteria: ACMG Guidelines, 2015. Collection method: clinical testing. Allele origin: germline.
Comment: This is a synonymous (silent) variant that is not predicted to impact splicing and occurs at a nucleotide which is not highly conserved. This variant has been classified as Likely Benign (BP4, BP7).

NM_000384.3(APOB):c.1437T>C (p.Thr479=)

Gene: APOB (apolipoprotein B; minus strand). Cytogenetic location: 2p24.1.
Variant type: single nucleotide variant.
Coding change: c.1437T>C on transcript NM_000384.3 (MANE Select); coding-DNA position 1437, T replaced by C.
Protein change: p.Thr479=; no amino-acid change (threonine 479 retained).
Molecular consequence: synonymous variant.
Genome position (GRCh38, 1-based): chr2:21,029,931, A>G on the plus strand (T>C on the coding strand, the complement: APOB is on the minus strand). VCF-style: chr2-21029931-A-G. GRCh37 (hg19) VCF-style: chr2-21252803-A-G.
Identifiers: ClinVar variation 4888254 (VCV004888254.1).